The following is an entry in ClinVar:

NC_000006.12:g.(?_51619071)_(51791383_?)del

Genes: PKHD1 (PKHD1 ciliary IPT domain containing fibrocystin/polyductin; minus strand), LOC101927082 (uncharacterized LOC101927082; plus strand). Cytogenetic location: 6p12.3.
Variant type: Deletion.
Identifiers: ClinVar variation 663953 (VCV000663953.8).

ClinVar aggregate classification (germline): Likely pathogenic (1 of 4 stars; one submission).

Conditions:
Autosomal recessive polycystic kidney disease (ARPKD). Also called: AR polycystic kidney disease. Identifiers: Orphanet 731, Orphanet 8378, MedGen C0085548, MeSH D017044, MONDO:0009889.

Submission:

Labcorp Genetics (formerly Invitae), Labcorp
Classification: Likely pathogenic for Autosomal recessive polycystic kidney disease. Last evaluated: 2018-08-21. Review status: criteria provided, single submitter. Criteria: Invitae Variant Classification Sherloc (09022015). Collection method: clinical testing. Allele origin: germline.
Comment: This deletion encompasses the p.Ile2957 amino acid residue in PKHD1. Other variant(s) that disrupt this residue have been observed in affected individuals (PMID: 11919560, 15805161, 19914852, 27225849, 11898128, 12506140, 15698423), suggesting that it is a clinically significant residue. As a result, variants that disrupt this residue are likely to be causative of disease. This variant has not been reported in the literature in individuals with PKHD1-related disease. This variant is a gross deletion of the genomic region encompassing exons 53-67 of the PKHD1 gene. The 5' boundary is likely confined to intron 52. The 3' end of this event is unknown as it extends through the termination codon beyond the assayed region for this gene and may encompass additional genes. While this deletion is not anticipated to result in nonsense mediated decay, it is expected to create a truncated protein product or disrupt mRNA translation. In summary, the currently available evidence indicates that the variant is pathogenic, but additional data are needed to prove that conclusively. Therefore, this variant has been classified as Likely Pathogenic.

Literature cited by the submitters: PubMed 11919560; PubMed 15805161; PubMed 19914852; PubMed 27225849; PubMed 11898128; PubMed 12506140; PubMed 15698423.